The following is an entry in ClinVar:

ClinVar aggregate classification (germline): Uncertain significance. Review status: criteria provided, multiple submitters, no conflicts (2 of 4 stars). 3 submissions from 3 submitters: Uncertain significance (3). Last evaluated 2024-11-11.

Conditions:
Inborn genetic diseases. Identifiers: MedGen C0950123, MeSH D030342.
Developmental and epileptic encephalopathy. Identifiers: MedGen C5779964, MONDO:0100620.

Allele frequency attached by ClinVar (database versions not stated): ExAC 0.00004; gnomAD exomes 0.00005; TOPMed 0.00010.
gnomAD v4.1: 87 of 1,613,136 alleles (0.0054%); highest among the groups gnomAD compares: Admixed American, 0.015%; no homozygotes.

Submissions (3):

Labcorp Genetics (formerly Invitae), Labcorp
Classification: Uncertain significance for Early-infantile DEE. Last evaluated: 2024-11-11. Review status: criteria provided, single submitter. Criteria: Invitae Variant Classification Sherloc (09022015). Collection method: clinical testing. Allele origin: germline.
Comment: This sequence change replaces alanine, which is neutral and non-polar, with valine, which is neutral and non-polar, at codon 582 of the CACNA2D2 protein (p.Ala582Val). This variant is present in population databases (rs760604912, gnomAD 0.006%). This variant has not been reported in the literature in individuals affected with CACNA2D2-related conditions. ClinVar contains an entry for this variant (Variation ID: 935783). An algorithm developed to predict the effect of missense changes on protein structure and function (PolyPhen-2) suggests that this variant is likely to be disruptive. In summary, the available evidence is currently insufficient to determine the role of this variant in disease. Therefore, it has been classified as a Variant of Uncertain Significance.

Blueprint Genetics
Classification: Uncertain significance. Last evaluated: 2024-11-06. Review status: criteria provided, single submitter. Criteria: ACMG Guidelines, 2015. Collection method: clinical testing. Allele origin: germline.

Ambry Genetics
Classification: Uncertain significance for Inborn genetic diseases. Last evaluated: 2022-02-18. Review status: criteria provided, single submitter. Criteria: Ambry Variant Classification Scheme 2023. Collection method: clinical testing. Allele origin: germline.

NM_006030.4(CACNA2D2):c.1745C>T (p.Ala582Val)

Gene: CACNA2D2 (calcium voltage-gated channel auxiliary subunit alpha2delta 2; minus strand). Cytogenetic location: 3p21.31.
Variant type: single nucleotide variant.
Coding change: c.1745C>T on transcript NM_006030.4 (MANE Select); coding-DNA position 1745, C replaced by T.
Protein change: p.Ala582Val; replaces alanine 582 with valine.
Molecular consequence: missense variant.
Genome position (GRCh38, 1-based): chr3:50,375,991, G>A on the plus strand (C>T on the coding strand, the complement: CACNA2D2 is on the minus strand). VCF-style: chr3-50375991-G-A. GRCh37 (hg19) VCF-style: chr3-50413422-G-A.
Other names: c.1745C>T (NM_001174051.1); c.1745C>T, p.Ala582Val (NM_001005505.3, NM_001174051.3); c.1538C>T, p.Ala513Val (NM_001291101.1); short protein forms A582V, A513V.
Identifiers: ClinVar variation 935783 (VCV000935783.7), dbSNP rs760604912, ClinGen allele CA2418749.
Genomic context (GRCh38, chr3:50,375,991, plus strand): 5'-GTCCCCCACCCCTGTTCTCCTCCTCTCCTTACCTCTTCCTTGTTCTCATCCTCTAGCTCC[G>A]CATCCAGGAAGTCCAGAGTCACAGGCTCCCGGAAGTTGGTGGTCTGTTGGAGGCAGGGTG-3'
Protein context (NP_006021.2, residues 572-592): REPVTLDFLD[Ala582Val]ELEDENKEEI